The following is an entry in ClinVar:

ClinVar aggregate classification (germline): Likely benign (0 of 4 stars; one submission).

Conditions:
PLG-related disorder. Also called: PLG-related condition.

Allele frequency attached by ClinVar (database versions not stated): ESP Exome Variant Server 0.00008; TOPMed 0.00027; ExAC 0.00123; 1000 Genomes Project 30x 0.00125; 1000 Genomes Project 0.00140.
gnomAD v4.1: 606 of 1,544,672 alleles (0.039%); highest among the groups gnomAD compares: South Asian, 0.37%; 5 homozygotes.

Submission:

PreventionGenetics, part of Exact Sciences
Classification: Likely benign for PLG-related condition. Last evaluated: 2019-12-09. Review status: no assertion criteria provided. Collection method: clinical testing. Allele origin: germline.
Comment: This variant is classified as likely benign based on ACMG/AMP sequence variant interpretation guidelines (Richards et al. 2015 PMID: 25741868, with internal and published modifications).

NM_000301.5(PLG):c.*7G>A

Gene: PLG (plasminogen; plus strand). Cytogenetic location: 6q26.
Variant type: single nucleotide variant.
Coding change: c.*7G>A on transcript NM_000301.5 (MANE Select); 7 bases downstream of the stop codon, G replaced by A.
Molecular consequence: 3 prime UTR variant.
Genome position (GRCh38, 1-based): chr6:160,753,068, G>A. VCF-style: chr6-160753068-G-A. GRCh37 (hg19) VCF-style: chr6-161174100-G-A.
Identifiers: ClinVar variation 3049173 (VCV003049173.2), dbSNP rs181878511, ClinGen allele CA4088068.
Genomic context (GRCh38, chr6:160,753,068, plus strand): 5'-GTTCGTGTTTCAAGGTTTGTTACTTGGATTGAGGGAGTGATGAGAAATAATTAATTGGAC[G>A]GGAGACAGAGTGACGCACTGACTCACCTAGAGGCTGGAACGTGGGTAGGGATTTAGCATG-3'